The following is an entry in ClinVar:

ClinVar aggregate classification (germline): Uncertain significance. Review status: criteria provided, multiple submitters, no conflicts (2 of 4 stars). 2 submissions from 2 submitters: Uncertain significance (2). Last evaluated 2025-08-25.

Conditions:
Hereditary cancer-predisposing syndrome. Also called: Neoplastic Syndromes, Hereditary; Hereditary Cancer Syndrome; Tumor predisposition; Hereditary neoplastic syndrome. Identifiers: Orphanet 140162, MedGen C0027672, MeSH D009386, MONDO:0015356.
Renal cell carcinoma. Identifiers: Orphanet 217071, MedGen C0007134, MeSH D002292, MONDO:0005086, HP:0005584.

Submissions (2):

Ambry Genetics
Classification: Uncertain significance for Hereditary cancer-predisposing syndrome. Last evaluated: 2025-08-25. Review status: criteria provided, single submitter. Criteria: Ambry Variant Classification Scheme 2023. Collection method: clinical testing. Allele origin: germline.
Comment: The p.D352V variant (also known as c.1055A>T), located in coding exon 1 of the MET gene, results from an A to T substitution at nucleotide position 1055. The aspartic acid at codon 352 is replaced by valine, an amino acid with highly dissimilar properties. This amino acid position is conserved. In addition, the in silico prediction for this alteration is inconclusive. Based on the available evidence, the clinical significance of this variant remains unclear.

Labcorp Genetics (formerly Invitae), Labcorp
Classification: Uncertain significance for Renal cell carcinoma. Last evaluated: 2023-08-24. Review status: criteria provided, single submitter. Criteria: Invitae Variant Classification Sherloc (09022015). Collection method: clinical testing. Allele origin: germline.
Comment: In summary, the available evidence is currently insufficient to determine the role of this variant in disease. Therefore, it has been classified as a Variant of Uncertain Significance. This sequence change replaces aspartic acid, which is acidic and polar, with valine, which is neutral and non-polar, at codon 352 of the MET protein (p.Asp352Val). This variant is not present in population databases (gnomAD no frequency). This variant has not been reported in the literature in individuals affected with MET-related conditions. Advanced modeling of protein sequence and biophysical properties (such as structural, functional, and spatial information, amino acid conservation, physicochemical variation, residue mobility, and thermodynamic stability) has been performed at Invitae for this missense variant, however the output from this modeling did not meet the statistical confidence thresholds required to predict the impact of this variant on MET protein function.

NM_000245.4(MET):c.1055A>T (p.Asp352Val)

Gene: MET (MET proto-oncogene, receptor tyrosine kinase; plus strand). Cytogenetic location: 7q31.2.
Variant type: single nucleotide variant.
Coding change: c.1055A>T on transcript NM_000245.4 (MANE Select); coding-DNA position 1055, A replaced by T.
Protein change: p.Asp352Val; replaces aspartic acid 352 with valine.
Molecular consequence: missense variant. On other transcripts: intron variant (1).
Genome position (GRCh38, 1-based): chr7:116,700,139, A>T. VCF-style: chr7-116700139-A-T. GRCh37 (hg19) VCF-style: chr7-116340193-A-T.
Other names: c.1055A>T, p.Asp352Val (NM_001127500.3, NM_001324401.3); c.-91+27562A>T (NM_001324402.2); short protein forms D352V.
Identifiers: ClinVar variation 2754829 (VCV002754829.4), dbSNP rs1791516586, ClinGen allele CA368970442.